The following is an entry in ClinVar:

NM_001365276.2(TNXB):c.6175C>T (p.His2059Tyr)

Gene: TNXB (tenascin XB; minus strand). Cytogenetic location: 6p21.33.
Variant type: single nucleotide variant.
Coding change: c.6175C>T on transcript NM_001365276.2 (MANE Select); coding-DNA position 6175, C replaced by T.
Protein change: p.His2059Tyr; replaces histidine 2059 with tyrosine.
Molecular consequence: missense variant.
Genome position (GRCh38, 1-based): chr6:32,068,435, G>A on the plus strand (C>T on the coding strand, the complement: TNXB is on the minus strand). VCF-style: chr6-32068435-G-A. GRCh37 (hg19) VCF-style: chr6-32036212-G-A.
Other names: c.6175C>T, p.His2059Tyr (NM_019105.8); short protein forms H2059Y.
Identifiers: ClinVar variation 1305673 (VCV001305673.2), dbSNP rs1309347082, ClinGen allele CA363402329.

ClinVar aggregate classification (germline): Uncertain significance (1 of 4 stars; one submission).

Submission:

GeneDx
Classification: Uncertain significance. Last evaluated: 2019-05-03. Review status: criteria provided, single submitter. Criteria: GeneDx Variant Classification Process June 2021. Collection method: clinical testing. Allele origin: germline. Affected: yes.
Comment: Has not been previously published as pathogenic or benign to our knowledge; In silico analysis, which includes protein predictors and evolutionary conservation, supports a deleterious effect; Not observed in large population cohorts (Lek et al., 2016)